The following is an entry in ClinVar:

NM_203446.3(SYNJ1):c.-77C>T

Gene: SYNJ1 (synaptojanin 1; minus strand). Cytogenetic location: 21q22.11.
Variant type: single nucleotide variant.
Coding change: c.-77C>T on transcript NM_203446.3 (MANE Select); 77 bases upstream of the start codon, C replaced by T.
Molecular consequence: 5 prime UTR variant. On other transcripts: missense variant (1).
Genome position (GRCh38, 1-based): chr21:32,728,000, G>A on the plus strand (C>T on the coding strand, the complement: SYNJ1 is on the minus strand). VCF-style: chr21-32728000-G-A. GRCh37 (hg19) VCF-style: chr21-34100311-G-A.
Other names: c.41C>T, p.Pro14Leu (NM_003895.4); short protein forms P14L.
Identifiers: ClinVar variation 1966100 (VCV001966100.2), dbSNP rs2043555718, ClinGen allele CA410078813.
Genomic context (GRCh38, chr21:32,728,000, plus strand): 5'-GCTCACCTCTTCCTCCGGCTCCTCCTCCTCCTTCTCCCGCAGCCGCCGCCACAGCCGCCG[G>A]GAGCGTCACTTCCGCTCCAGCAGGCCCATCTCTTCCGCATTGCGCCGCGGCCGGGGGCGG-3'

ClinVar aggregate classification (germline): Uncertain significance (1 of 4 stars; one submission).

Conditions:
Developmental and epileptic encephalopathy, 53. Also called: Epileptic encephalopathy, early infantile, 53. Identifiers: MedGen C4479313, MONDO:0033362, OMIM 617389.
Early-onset Parkinson disease 20. Also called: PARKINSON DISEASE 20, AUTOSOMAL RECESSIVE EARLY-ONSET. Identifiers: Orphanet 391411, MedGen C3809824, MONDO:0014233, OMIM 615530.

gnomAD v4.1: 2 of 1,536,252 alleles (0.00013%); highest among the groups gnomAD compares: East Asian, 0.0025%; no homozygotes.

Submission:

Labcorp Genetics (formerly Invitae), Labcorp
Classification: Uncertain significance for Developmental and epileptic encephalopathy, 53; Early-onset Parkinson disease 20. Last evaluated: 2022-03-19. Review status: criteria provided, single submitter. Criteria: Invitae Variant Classification Sherloc (09022015). Collection method: clinical testing. Allele origin: germline.
Comment: This sequence change replaces proline, which is neutral and non-polar, with leucine, which is neutral and non-polar, at codon 14 of the SYNJ1 protein (p.Pro14Leu). This variant is not present in population databases (gnomAD no frequency). This variant has not been reported in the literature in individuals affected with SYNJ1-related conditions. Algorithms developed to predict the effect of missense changes on protein structure and function are either unavailable or do not agree on the potential impact of this missense change (SIFT: "Deleterious"; PolyPhen-2: "Benign"; Align-GVGD: "Class C0"). In summary, the available evidence is currently insufficient to determine the role of this variant in disease. Therefore, it has been classified as a Variant of Uncertain Significance.